The following is an entry in ClinVar:

NM_000553.6(WRN):c.3559A>G (p.Met1187Val)

Gene: WRN (WRN RecQ like helicase; plus strand). Cytogenetic location: 8p12.
Variant type: single nucleotide variant.
Coding change: c.3559A>G on transcript NM_000553.6 (MANE Select); coding-DNA position 3559, A replaced by G.
Protein change: p.Met1187Val; replaces methionine 1187 with valine.
Molecular consequence: missense variant.
Genome position (GRCh38, 1-based): chr8:31,147,463, A>G. VCF-style: chr8-31147463-A-G. GRCh37 (hg19) VCF-style: chr8-31004979-A-G.
Other names: short protein forms M1187V.
Identifiers: ClinVar variation 238159 (VCV000238159.4), dbSNP rs762592772, ClinGen allele CA4705100.

ClinVar aggregate classification (germline): Uncertain significance (1 of 4 stars; one submission).

Conditions:
Werner syndrome (WRN). Identifiers: Orphanet 902, MedGen C0043119, MONDO:0010196, OMIM 277700.

Allele frequency attached by ClinVar (database versions not stated): gnomAD 0.00001; gnomAD exomes 0.00001; TOPMed 0.00001; ExAC 0.00002.

Submission:

Labcorp Genetics (formerly Invitae), Labcorp
Classification: Uncertain significance for Werner syndrome. Last evaluated: 2022-08-23. Review status: criteria provided, single submitter. Criteria: Invitae Variant Classification Sherloc (09022015). Collection method: clinical testing. Allele origin: germline.
Comment: This sequence change replaces methionine, which is neutral and non-polar, with valine, which is neutral and non-polar, at codon 1187 of the WRN protein (p.Met1187Val). This variant is present in population databases (rs762592772, gnomAD 0.006%). This variant has not been reported in the literature in individuals affected with WRN-related conditions. ClinVar contains an entry for this variant (Variation ID: 238159). Algorithms developed to predict the effect of missense changes on protein structure and function are either unavailable or do not agree on the potential impact of this missense change (SIFT: "Not Available"; PolyPhen-2: "Possibly Damaging"; Align-GVGD: "Not Available"). In summary, the available evidence is currently insufficient to determine the role of this variant in disease. Therefore, it has been classified as a Variant of Uncertain Significance.